The following is an entry in ClinVar:

ClinVar aggregate classification (germline): Uncertain significance (1 of 4 stars; one submission).

Conditions:
Bloom syndrome (BLM). Also called: Bloom-Torre-Machacek syndrome. Identifiers: Orphanet 125, MedGen C0005859, MONDO:0008876, OMIM 210900.

Submission:

Labcorp Genetics (formerly Invitae), Labcorp
Classification: Uncertain significance for Bloom syndrome. Last evaluated: 2021-11-01. Review status: criteria provided, single submitter. Criteria: Invitae Variant Classification Sherloc (09022015). Collection method: clinical testing. Allele origin: germline.
Comment: This variant is not present in population databases (gnomAD no frequency). In summary, the available evidence is currently insufficient to determine the role of this variant in disease. Therefore, it has been classified as a Variant of Uncertain Significance. Algorithms developed to predict the effect of missense changes on protein structure and function output the following: SIFT: "Tolerated"; PolyPhen-2: "Benign"; Align-GVGD: "Class C0". The glutamic acid amino acid residue is found in multiple mammalian species, which suggests that this missense change does not adversely affect protein function. This variant has not been reported in the literature in individuals affected with BLM-related conditions. This sequence change replaces aspartic acid, which is acidic and polar, with glutamic acid, which is acidic and polar, at codon 436 of the BLM protein (p.Asp436Glu).

NM_000057.4(BLM):c.1308T>G (p.Asp436Glu)

Gene: BLM (BLM RecQ like helicase; plus strand). Cytogenetic location: 15q26.1.
Variant type: single nucleotide variant.
Coding change: c.1308T>G on transcript NM_000057.4 (MANE Select); coding-DNA position 1308, T replaced by G.
Protein change: p.Asp436Glu; replaces aspartic acid 436 with glutamic acid.
Molecular consequence: missense variant.
Genome position (GRCh38, 1-based): chr15:90,760,681, T>G. VCF-style: chr15-90760681-T-G. GRCh37 (hg19) VCF-style: chr15-91303911-T-G.
Other names: c.1308T>G, p.Asp436Glu (NM_001287246.2, NM_001287247.2); c.183T>G, p.Asp61Glu (NM_001287248.2); short protein forms D436E, D61E.
Identifiers: ClinVar variation 1390717 (VCV001390717.6), dbSNP rs140178590, ClinGen allele CA393842780.
Genomic context (GRCh38, chr15:90,760,681, plus strand): 5'-TAATAAAAGTGATGCCAGTCTTCTTGGCTCATTGTGGAGATACAGGCCTGATTCACTTGA[T>G]GGCCCTATGGAGGGTGATTCCTGCCCTACAGGGAATTCTATGAAGGAGTTAAATTTTTCA-3'
Protein context (NP_000048.1, residues 426-446): SLWRYRPDSL[Asp436Glu]GPMEGDSCPT